The following is an entry in ClinVar:

NM_002335.4(LRP5):c.391C>T (p.Arg131Cys)

Gene: LRP5 (LDL receptor related protein 5; plus strand). Cytogenetic location: 11q13.2.
Variant type: single nucleotide variant.
Coding change: c.391C>T on transcript NM_002335.4 (MANE Select); coding-DNA position 391, C replaced by T.
Protein change: p.Arg131Cys; replaces arginine 131 with cysteine.
Molecular consequence: missense variant. On other transcripts: 5 prime UTR variant (1).
Genome position (GRCh38, 1-based): chr11:68,348,146, C>T. VCF-style: chr11-68348146-C-T. GRCh37 (hg19) VCF-style: chr11-68115614-C-T.
Other names: c.-1375C>T (NM_001291902.2); short protein forms R131C.
Identifiers: ClinVar variation 2782458 (VCV002782458.3), dbSNP rs368250404, ClinGen allele CA6148975.

ClinVar aggregate classification (germline): Uncertain significance (1 of 4 stars; one submission).

Allele frequency attached by ClinVar (database versions not stated): ExAC 0.00001; gnomAD 0.00001; gnomAD exomes 0.00001; TOPMed 0.00001; ESP Exome Variant Server 0.00008.
gnomAD v4.1: 19 of 1,613,916 alleles (0.0012%); highest among the groups gnomAD compares: East Asian, 0.011%; no homozygotes.

Submission:

Labcorp Genetics (formerly Invitae), Labcorp
Classification: Uncertain significance. Last evaluated: 2024-01-25. Review status: criteria provided, single submitter. Criteria: Invitae Variant Classification Sherloc (09022015). Collection method: clinical testing. Allele origin: germline.
Comment: This sequence change replaces arginine, which is basic and polar, with cysteine, which is neutral and slightly polar, at codon 131 of the LRP5 protein (p.Arg131Cys). This variant is present in population databases (rs368250404, gnomAD 0.02%). This variant has not been reported in the literature in individuals affected with LRP5-related conditions. Advanced modeling of protein sequence and biophysical properties (such as structural, functional, and spatial information, amino acid conservation, physicochemical variation, residue mobility, and thermodynamic stability) has been performed at Invitae for this missense variant, however the output from this modeling did not meet the statistical confidence thresholds required to predict the impact of this variant on LRP5 protein function. In summary, the available evidence is currently insufficient to determine the role of this variant in disease. Therefore, it has been classified as a Variant of Uncertain Significance.